The following is an entry in ClinVar:

ClinVar aggregate classification (germline): Uncertain significance (1 of 4 stars; one submission).

Conditions:
Seizures, benign familial infantile, 3 (BFIS3). Also called: Familial neonatal seizures; CONVULSIONS, BENIGN FAMILIAL INFANTILE, 3. Identifiers: Orphanet 140927, Orphanet 306, MedGen C1843140, MONDO:0011904, OMIM 607745.
Developmental and epileptic encephalopathy, 11 (DEE11). Also called: Early infantile epileptic encephalopathy 11. Identifiers: Orphanet 1934, MedGen C3150987, MONDO:0013388, OMIM 613721.

Submission:

Labcorp Genetics (formerly Invitae), Labcorp
Classification: Uncertain significance for Seizures, benign familial infantile, 3; Developmental and epileptic encephalopathy, 11. Last evaluated: 2021-07-02. Review status: criteria provided, single submitter. Criteria: Invitae Variant Classification Sherloc (09022015). Collection method: clinical testing. Allele origin: germline.
Comment: This sequence change replaces phenylalanine with leucine at codon 1179 of the SCN2A protein (p.Phe1179Leu). The phenylalanine residue is highly conserved and there is a small physicochemical difference between phenylalanine and leucine. This variant is not present in population databases (ExAC no frequency). This variant has not been reported in the literature in individuals affected with SCN2A-related conditions. Algorithms developed to predict the effect of missense changes on protein structure and function are either unavailable or do not agree on the potential impact of this missense change (SIFT: "Deleterious"; PolyPhen-2: "Benign"; Align-GVGD: "Class C0"). In summary, the available evidence is currently insufficient to determine the role of this variant in disease. Therefore, it has been classified as a Variant of Uncertain Significance.

NM_001040142.2(SCN2A):c.3537C>G (p.Phe1179Leu)

Gene: SCN2A (sodium voltage-gated channel alpha subunit 2; plus strand). Cytogenetic location: 2q24.3.
Variant type: single nucleotide variant.
Coding change: c.3537C>G on transcript NM_001040142.2 (MANE Select); coding-DNA position 3537, C replaced by G.
Protein change: p.Phe1179Leu; replaces phenylalanine 1179 with leucine.
Molecular consequence: missense variant.
Genome position (GRCh38, 1-based): chr2:165,367,233, C>G. VCF-style: chr2-165367233-C-G. GRCh37 (hg19) VCF-style: chr2-166223743-C-G.
Other names: c.3537C>G, p.Phe1179Leu (NM_001040143.2, NM_001371246.1, NM_001371247.1 and 1 more transcripts); short protein forms F1179L.
Identifiers: ClinVar variation 1517176 (VCV001517176.8), dbSNP rs2105359518, ClinGen allele CA349025786.